The following is an entry in ClinVar:

NM_021096.4(CACNA1I):c.3095T>G (p.Leu1032Arg)

Gene: CACNA1I (calcium voltage-gated channel subunit alpha1 I; plus strand). Cytogenetic location: 22q13.1.
Variant type: single nucleotide variant.
Coding change: c.3095T>G on transcript NM_021096.4 (MANE Select); coding-DNA position 3095, T replaced by G.
Protein change: p.Leu1032Arg; replaces leucine 1032 with arginine.
Molecular consequence: missense variant.
Genome position (GRCh38, 1-based): chr22:39,662,158, T>G. VCF-style: chr22-39662158-T-G. GRCh37 (hg19) VCF-style: chr22-40058163-T-G.
Other names: c.2990T>G, p.Leu997Arg (NM_001003406.2); short protein forms L1032R, L997R.
Identifiers: ClinVar variation 2663086 (VCV002663086.2), dbSNP rs1160128785, ClinGen allele CA411656529.
Genomic context (GRCh38, chr22:39,662,158, plus strand): 5'-GCGGCGGCGCCCGGGTCTGCGAGGTTGCCGCGGACGAGGGGCCGCCGCGGGCCGCACCCC[T>G]GCACACCCCACACGCCCACCACATTCATCACGGGCCCCATCTGGCGCACCGCCACCGCCA-3'
Protein context (NP_066919.2, residues 1022-1042): ADEGPPRAAP[Leu1032Arg]HTPHAHHIHH

ClinVar aggregate classification (germline): Uncertain significance (1 of 4 stars; one submission).

Submission:

GeneDx
Classification: Uncertain significance. Last evaluated: 2025-09-26. Review status: criteria provided, single submitter. Criteria: GeneDx Variant Classification Process June 2021. Collection method: clinical testing. Allele origin: germline.
Comment: Not observed at significant frequency in large population cohorts (gnomAD); In silico analysis suggests that this missense variant does not alter protein structure/function; Has not been previously published as pathogenic or benign to our knowledge